The following is an entry in ClinVar:

NM_025099.6(CTC1):c.955G>A (p.Glu319Lys)

Gene: CTC1 (CST telomere replication complex component 1; minus strand). Cytogenetic location: 17p13.1.
Variant type: single nucleotide variant.
Coding change: c.955G>A on transcript NM_025099.6 (MANE Select); coding-DNA position 955, G replaced by A.
Protein change: p.Glu319Lys; replaces glutamic acid 319 with lysine.
Molecular consequence: missense variant. On other transcripts: non-coding transcript variant (1).
Genome position (GRCh38, 1-based): chr17:8,236,180, C>T on the plus strand (G>A on the coding strand, the complement: CTC1 is on the minus strand). VCF-style: chr17-8236180-C-T. GRCh37 (hg19) VCF-style: chr17-8139498-C-T.
Other names: c.955G>A, p.Glu319Lys (NM_001411067.1); short protein forms E319K.
Identifiers: ClinVar variation 2694481 (VCV002694481.3), dbSNP rs1987707354, ClinGen allele CA397988393.

ClinVar aggregate classification (germline): Uncertain significance (1 of 4 stars; one submission).

Conditions:
Dyskeratosis congenita. Identifiers: Orphanet 1775, MedGen C0265965, MONDO:0015780.

Submission:

Labcorp Genetics (formerly Invitae), Labcorp
Classification: Uncertain significance for Dyskeratosis congenita. Last evaluated: 2023-11-29. Review status: criteria provided, single submitter. Criteria: Invitae Variant Classification Sherloc (09022015). Collection method: clinical testing. Allele origin: germline.
Comment: This sequence change replaces glutamic acid, which is acidic and polar, with lysine, which is basic and polar, at codon 319 of the CTC1 protein (p.Glu319Lys). This variant is not present in population databases (gnomAD no frequency). This variant has not been reported in the literature in individuals affected with CTC1-related conditions. An algorithm developed to predict the effect of missense changes on protein structure and function (PolyPhen-2) suggests that this variant is likely to be disruptive. In summary, the available evidence is currently insufficient to determine the role of this variant in disease. Therefore, it has been classified as a Variant of Uncertain Significance.